The following is an entry in ClinVar:

NM_001655.5(ARCN1):c.878A>G (p.Gln293Arg)

Gene: ARCN1 (archain 1; plus strand). Cytogenetic location: 11q23.3.
Variant type: single nucleotide variant.
Coding change: c.878A>G on transcript NM_001655.5 (MANE Select); coding-DNA position 878, A replaced by G.
Protein change: p.Gln293Arg; replaces glutamine 293 with arginine.
Molecular consequence: missense variant.
Genome position (GRCh38, 1-based): chr11:118,590,400, A>G. VCF-style: chr11-118590400-A-G. GRCh37 (hg19) VCF-style: chr11-118461115-A-G.
Other names: c.614A>G, p.Gln205Arg (NM_001142281.2); short protein forms Q205R, Q293R.
Identifiers: ClinVar variation 1710750 (VCV001710750.2), dbSNP rs1231868769, ClinGen allele CA382810940.

ClinVar aggregate classification (germline): Uncertain significance (1 of 4 stars; one submission).

gnomAD v4.1: 3 of 1,614,162 alleles (0.00019%); highest among the groups gnomAD compares: Middle Eastern, 0.016%; no homozygotes.

Submission:

GeneDx
Classification: Uncertain significance. Last evaluated: 2022-04-12. Review status: criteria provided, single submitter. Criteria: GeneDx Variant Classification Process June 2021. Collection method: clinical testing. Allele origin: germline. Affected: yes.
Comment: Not observed at significant frequency in large population cohorts (gnomAD); In silico analysis supports that this missense variant has a deleterious effect on protein structure/function; Has not been previously published as pathogenic or benign to our knowledge